The following is an entry in ClinVar:

ClinVar aggregate classification (germline): Uncertain significance (1 of 4 stars; one submission).

Submission:

Labcorp Genetics (formerly Invitae), Labcorp
Classification: Uncertain significance. Last evaluated: 2023-07-09. Review status: criteria provided, single submitter. Criteria: Invitae Variant Classification Sherloc (09022015). Collection method: clinical testing. Allele origin: germline.
Comment: In summary, the available evidence is currently insufficient to determine the role of this variant in disease. Therefore, it has been classified as a Variant of Uncertain Significance. Advanced modeling of protein sequence and biophysical properties (such as structural, functional, and spatial information, amino acid conservation, physicochemical variation, residue mobility, and thermodynamic stability) performed at Invitae indicates that this missense variant is expected to disrupt CLPX protein function. This variant has not been reported in the literature in individuals affected with CLPX-related conditions. This variant is not present in population databases (gnomAD no frequency). This sequence change replaces alanine, which is neutral and non-polar, with aspartic acid, which is acidic and polar, at codon 551 of the CLPX protein (p.Ala551Asp).

NM_006660.5(CLPX):c.1652C>A (p.Ala551Asp)

Gene: CLPX (caseinolytic mitochondrial matrix peptidase chaperone subunit X; minus strand). Cytogenetic location: 15q22.31.
Variant type: single nucleotide variant.
Coding change: c.1652C>A on transcript NM_006660.5 (MANE Select); coding-DNA position 1652, C replaced by A.
Protein change: p.Ala551Asp; replaces alanine 551 with aspartic acid.
Molecular consequence: missense variant. On other transcripts: non-coding transcript variant (1).
Genome position (GRCh38, 1-based): chr15:65,153,599, G>T on the plus strand (C>A on the coding strand, the complement: CLPX is on the minus strand). VCF-style: chr15-65153599-G-T. GRCh37 (hg19) VCF-style: chr15-65445937-G-T.
Other names: short protein forms A551D.
Identifiers: ClinVar variation 2802678 (VCV002802678.3), dbSNP rs1396408056, ClinGen allele CA392866627.